The following is an entry in ClinVar:

NM_005198.5(CHKB):c.447+5G>C

Genes: CHKB-CPT1B (CHKB-CPT1B readthrough (NMD candidate); minus strand), CHKB (choline kinase beta; minus strand). Cytogenetic location: 22q13.33.
Variant type: single nucleotide variant.
Coding change: c.447+5G>C on transcript NM_005198.5 (MANE Select); 5 bases into the intron after coding-DNA position 447, G replaced by C.
Molecular consequence: intron variant.
Genome position (GRCh38, 1-based): chr22:50,581,744, C>G on the plus strand (G>C on the coding strand, the complement: CHKB is on the minus strand). VCF-style: chr22-50581744-C-G. GRCh37 (hg19) VCF-style: chr22-51020173-C-G.
Identifiers: ClinVar variation 851517 (VCV000851517.8), dbSNP rs371067691, ClinGen allele CA916082482.

ClinVar aggregate classification (germline): Uncertain significance (1 of 4 stars; one submission).

Conditions:
Megaconial type congenital muscular dystrophy (MDCMC). Also called: CHKB-Related Muscle Diseases; CHKB-Related Muscular Dystrophy; MUSCULAR DYSTROPHY, CONGENITAL, WITH MITOCHONDRIAL STRUCTURAL ABNORMALITIES. Identifiers: Orphanet 280671, MedGen C1865233, MONDO:0011246, OMIM 602541.

gnomAD v4.1: 3 of 1,612,790 alleles (0.00019%); highest among the groups gnomAD compares: Non-Finnish European, 0.00025%; no homozygotes.

Submission:

Labcorp Genetics (formerly Invitae), Labcorp
Classification: Uncertain significance for Megaconial type congenital muscular dystrophy. Last evaluated: 2019-12-19. Review status: criteria provided, single submitter. Criteria: Invitae Variant Classification Sherloc (09022015). Collection method: clinical testing. Allele origin: germline.
Comment: In summary, the available evidence is currently insufficient to determine the role of this variant in disease. Therefore, it has been classified as a Variant of Uncertain Significance. Nucleotide substitutions within the consensus splice site are a relatively common cause of aberrant splicing (PMID: 17576681, 9536098). Algorithms developed to predict the effect of sequence changes on RNA splicing suggest that this variant may disrupt the consensus splice site, but this prediction has not been confirmed by published transcriptional studies. This variant has not been reported in the literature in individuals with CHKB-related conditions. This variant is not present in population databases (ExAC no frequency). This sequence change falls in intron 3 of the CHKB gene. It does not directly change the encoded amino acid sequence of the CHKB protein, but it affects a nucleotide within the consensus splice site of the intron.

Literature cited by the submitters: PubMed 17576681; PubMed 9536098.